The following is an entry in ClinVar:

ClinVar aggregate classification (germline): Uncertain significance (1 of 4 stars; one submission).

Conditions:
Neuronopathy, distal hereditary motor, type 5B. Also called: HMN VB; DHMN VB; NEURONOPATHY, DISTAL HEREDITARY MOTOR, HARDING TYPE VB; NEUROPATHY, DISTAL HEREDITARY MOTOR, HARDING TYPE VB; SPINAL MUSCULAR ATROPHY, DISTAL, HARDING TYPE VB. Identifiers: Orphanet 139536, MedGen C3553656, MONDO:0013884, OMIM 614751.

Submission:

MVZ Medizinische Genetik Mainz
Classification: Uncertain significance for Neuronopathy, distal hereditary motor, type 5B. Last evaluated: 2026-08-10. Review status: criteria provided, single submitter. Criteria: UK Practice Guidelines For Variant Classification V4 01 2020. Collection method: clinical testing. Allele origin: germline. Inheritance: Autosomal dominant inheritance. Affected: yes. Observed: 1 variant allele.
Comment: ACMG Criteria: PP3_MOD,PM2_SUP

NM_001371279.1(REEP1):c.299A>G (p.Glu100Gly)

Gene: REEP1 (receptor accessory protein 1; minus strand). Cytogenetic location: 2p11.2.
Variant type: single nucleotide variant.
Coding change: c.299A>G on transcript NM_001371279.1 (MANE Select); coding-DNA position 299, A replaced by G.
Protein change: p.Glu100Gly; replaces glutamic acid 100 with glycine.
Molecular consequence: missense variant. On other transcripts: intron variant (1).
Genome position (GRCh38, 1-based): chr2:86,254,698, T>C on the plus strand (A>G on the coding strand, the complement: REEP1 is on the minus strand). VCF-style: chr2-86254698-T-C. GRCh37 (hg19) VCF-style: chr2-86481821-T-C.
Other names: c.320A>G, p.Glu107Gly (NM_001164730.2); c.218A>G, p.Glu73Gly (NM_001164731.2); c.299A>G, p.Glu100Gly (NM_001371280.1, NM_001410855.1, NM_001410856.1 and 1 more transcripts); c.182+9267A>G (NM_001164732.2); short protein forms E100G, E107G, E73G.
Identifiers: ClinVar variation 4887044 (VCV004887044.1).